The following is an entry in ClinVar:

ClinVar aggregate classification (germline): Pathogenic (1 of 4 stars; one submission).

Conditions:
Capillary malformation-arteriovenous malformation 2 (CMAVM2). Identifiers: Orphanet 693912, MedGen C4748670, MONDO:0020785, OMIM 618196.

Submission:

Victorian Clinical Genetics Services, Murdoch Childrens Research Institute
Classification: Pathogenic for Capillary malformation-arteriovenous malformation 2. Last evaluated: 2024-09-20. Review status: criteria provided, single submitter. Criteria: ACMG Guidelines, 2015. Collection method: clinical testing. Allele origin: germline. Inheritance: Autosomal dominant inheritance. Affected: yes.
Comment: Based on the classification scheme VCGS_Germline_v1.3.4, this variant is classified as Pathogenic. Following criteria are met: 0102 - Loss of function is a known mechanism of disease in this gene and is associated with capillary malformation-arteriovenous malformation 2 (MIM#618196) and lymphatic malformation 7 (MIM#617300). (I) 0107 - This gene is associated with autosomal dominant disease. (I) 0115 - Variants in this gene are known to have variable expressivity. There is intra-familial variability reported (PMID: 29905864, 27400125, 30578106). (I) 0201 - Variant is predicted to cause nonsense-mediated decay (NMD) and loss of protein (premature termination codon is located at least 54 nucleotides upstream of the final exon-exon junction). (SP) 0251 - This variant is heterozygous. (I) 0301 - Variant is absent from gnomAD (both v2 and v3). (SP) 0701 - Many other NMD-predicted variants comparable to the one identified in this case have very strong previous evidence for pathogenicity (DECIPHER). (SP) 0807 - This variant has no previous evidence of pathogenicity. (I) 0905 - No published segregation evidence has been identified for this variant. (I) 1007 - No published functional evidence has been identified for this variant. (I) 1208 - Inheritance information for this variant is not currently available in this individual. (I) Legend: (SP) - Supporting pathogenic, (I) - Information, (SB) - Supporting benign

Literature cited by the submitters: PubMed 27400125; PubMed 29905864; PubMed 30578106.

NM_004444.5(EPHB4):c.2389_2392del (p.Phe797fs)

Genes: EPHB4 (EPH receptor B4; minus strand), LOC126860124 (CDK7 strongly-dependent group 2 enhancer GRCh37_chr7:100403701-100404900; plus strand). Cytogenetic location: 7q22.1.
Variant type: Deletion.
Coding change: c.2389_2392del on transcript NM_004444.5 (MANE Select); coding-DNA positions 2389 to 2392, 4 bases deleted (TTCA; older notation c.2389_2392delTTCA).
Protein change: p.Phe797fs; shifts the reading frame from phenylalanine 797.
Molecular consequence: frameshift variant.
Genome position (GRCh38, 1-based): chr7:100,806,512-100,806,515, TGAA deleted on the plus strand (TTCA on the coding strand, the reverse complement: EPHB4 is on the minus strand). VCF-style (leftmost placement, unchanged base first): chr7-100806511-GTGAA-G. GRCh37 (hg19) VCF-style: chr7-100404133-GTGAA-G.
Other names: short protein forms F797fs.
Identifiers: ClinVar variation 3255221 (VCV003255221.2), dbSNP rs2485000836.